The following is an entry in ClinVar:

NM_000545.8(HNF1A):c.1309+86TCAT[8]

Gene: HNF1A (HNF1 homeobox A; plus strand). Cytogenetic location: 12q24.31.
Variant type: Microsatellite.
Coding change: c.1309+86TCAT[8] on transcript NM_000545.8 (MANE Select); eight copies in a row of the 4-base unit TCAT starting at c.1309+86; the reference has four copies in a row; four copies, 16 bases duplicated.
Molecular consequence: intron variant.
Genome position (GRCh38, 1-based): chr12:120,996,828-120,996,843, TCATTCATTCATTCAT duplicated. VCF-style (leftmost placement, unchanged base first): chr12-120996827-C-CTCATTCATTCATTCAT. GRCh37 (hg19) VCF-style: chr12-121434630-C-CTCATTCATTCATTCAT.
Other names: c.1309+86TCAT[8] (NM_001306179.2).
Identifiers: ClinVar variation 1801507 (VCV001801507.1), dbSNP rs58371019, ClinGen allele CA6831995.
Genomic context (GRCh38, chr12:120,996,827, plus strand): 5'-ACCTGGGTGGGAGGCTCATGGGGCAACCGCAGAATCCAGGAGCTGGAAGAGCCACTGGGA[C>CTCATTCATTCATTCAT]TCATTCATTCATTCATACAACATGTATTTATCCAGTGCCTACTCTGGACCAGTCACTGTG-3'

ClinVar aggregate classification (germline): Benign (1 of 4 stars; one submission).

Conditions:
Maturity-onset diabetes of the young (MODY). Also called: Maturity onset diabetes mellitus in young. Identifiers: Orphanet 552, MedGen C0342276, MONDO:0018911, HP:0004904.

Submission:

Clinical Genomics, Uppaluri K&H Personalized Medicine Clinic
Classification: Benign for Maturity-onset diabetes of the young. Review status: criteria provided, single submitter. Criteria: K & H Uppaluri Personalized Medicine Clinic Variant Classification & Assertion Criteria_Updated V.1. Collection method: research. Allele origin: unknown. Inheritance: Autosomal dominant inheritance.
Comment: Mutations in HNF1A gene can predispose to MODY3. It is associated with both micro and macrovascular complications of diabetes, especially cardiovascular complications. Associated with glucosuria. May respond well to sulfonylureas. However, more evidence is required to confer the association of this particular variant rs58371019 with MODY3.

Literature cited by the submitters: PubMed 31517624; PubMed 32395877; PubMed 35328643.